The following is an entry in ClinVar:

ClinVar aggregate classification (germline): Likely benign (0 of 4 stars; one submission).

Conditions:
MED25-related disorder. Also called: MED25-related condition.

Allele frequency attached by ClinVar (database versions not stated): TOPMed below 0.00001; gnomAD 0.00001.
gnomAD v4.1: 46 of 1,610,832 alleles (0.0029%); highest among the groups gnomAD compares: South Asian, 0.045%; 2 homozygotes.

Submission:

PreventionGenetics, part of Exact Sciences
Classification: Likely benign for MED25-related condition. Last evaluated: 2019-09-24. Review status: no assertion criteria provided. Collection method: clinical testing. Allele origin: germline.
Comment: This variant is classified as likely benign based on ACMG/AMP sequence variant interpretation guidelines (Richards et al. 2015 PMID: 25741868, with internal and published modifications).

NM_030973.4(MED25):c.684G>A (p.Leu228=)

Gene: MED25 (mediator complex subunit 25; plus strand). Cytogenetic location: 19q13.33.
Variant type: single nucleotide variant.
Coding change: c.684G>A on transcript NM_030973.4 (MANE Select); coding-DNA position 684, G replaced by A.
Protein change: p.Leu228=; no amino-acid change (leucine 228 retained).
Molecular consequence: synonymous variant.
Genome position (GRCh38, 1-based): chr19:49,829,944, G>A. VCF-style: chr19-49829944-G-A. GRCh37 (hg19) VCF-style: chr19-50333201-G-A.
Other names: c.684G>A, p.Leu228= (NM_001378355.1).
Identifiers: ClinVar variation 3040403 (VCV003040403.2), dbSNP rs761005224, ClinGen allele CA9584955.